The following is an entry in ClinVar:

NM_006180.6(NTRK2):c.601C>A (p.Leu201Met)

Gene: NTRK2 (neurotrophic receptor tyrosine kinase 2; plus strand). Cytogenetic location: 9q21.33.
Variant type: single nucleotide variant.
Coding change: c.601C>A on transcript NM_006180.6 (MANE Select); coding-DNA position 601, C replaced by A.
Protein change: p.Leu201Met; replaces leucine 201 with methionine.
Molecular consequence: missense variant.
Genome position (GRCh38, 1-based): chr9:84,723,590, C>A. VCF-style: chr9-84723590-C-A. GRCh37 (hg19) VCF-style: chr9-87338505-C-A.
Other names: c.601C>A, p.Leu201Met (NM_001007097.3, NM_001018064.3, NM_001018065.2 and 19 more transcripts); c.133C>A, p.Leu45Met (NM_001369535.1, NM_001369536.1, NM_001369550.1 and 2 more transcripts); short protein forms L201M, L45M.
Identifiers: ClinVar variation 2637304 (VCV002637304.1), dbSNP rs139119122, ClinGen allele CA5105543.

ClinVar aggregate classification (germline): Uncertain significance (1 of 4 stars; one submission).

Conditions:
NTRK2-related disorder. Also called: NTRK2-related condition.

Allele frequency attached by ClinVar (database versions not stated): ExAC 0.00001; gnomAD 0.00002; TOPMed 0.00003; ESP Exome Variant Server 0.00015.
gnomAD v4.1: 7 of 1,614,016 alleles (0.00043%); highest among the groups gnomAD compares: African/African-American, 0.008%; no homozygotes.

Submission:

PreventionGenetics, part of Exact Sciences
Classification: Uncertain significance for NTRK2-related condition. Last evaluated: 2023-04-26. Review status: criteria provided, single submitter. Criteria: ACMG Guidelines, 2015. Collection method: clinical testing. Allele origin: germline.
Comment: The NTRK2 c.601C>A variant is predicted to result in the amino acid substitution p.Leu201Met. To our knowledge, this variant has not been reported in the literature. This variant is reported in 0.0062% of alleles in individuals of African descent in gnomAD. At this time, the clinical significance of this variant is uncertain due to the absence of conclusive functional and genetic evidence.